The following is an entry in ClinVar:

ClinVar aggregate classification (germline): Uncertain significance (1 of 4 stars; one submission).

Submission:

Labcorp Genetics (formerly Invitae), Labcorp
Classification: Uncertain significance. Last evaluated: 2022-06-20. Review status: criteria provided, single submitter. Criteria: Invitae Variant Classification Sherloc (09022015). Collection method: clinical testing. Allele origin: germline.
Comment: In summary, the available evidence is currently insufficient to determine the role of this variant in disease. Therefore, it has been classified as a Variant of Uncertain Significance. Algorithms developed to predict the effect of missense changes on protein structure and function are either unavailable or do not agree on the potential impact of this missense change (SIFT: "Deleterious"; PolyPhen-2: "Probably Damaging"; Align-GVGD: "Class C0"). This variant has not been reported in the literature in individuals affected with SNRNP200-related conditions. This variant is not present in population databases (gnomAD no frequency). This sequence change replaces proline, which is neutral and non-polar, with alanine, which is neutral and non-polar, at codon 682 of the SNRNP200 protein (p.Pro682Ala).

NM_014014.5(SNRNP200):c.2044C>G (p.Pro682Ala)

Gene: SNRNP200 (small nuclear ribonucleoprotein U5 subunit 200; minus strand). Cytogenetic location: 2q11.2.
Variant type: single nucleotide variant.
Coding change: c.2044C>G on transcript NM_014014.5 (MANE Select); coding-DNA position 2044, C replaced by G.
Protein change: p.Pro682Ala; replaces proline 682 with alanine.
Molecular consequence: missense variant.
Genome position (GRCh38, 1-based): chr2:96,293,088, G>C on the plus strand (C>G on the coding strand, the complement: SNRNP200 is on the minus strand). VCF-style: chr2-96293088-G-C. GRCh37 (hg19) VCF-style: chr2-96958826-G-C.
Other names: short protein forms P682A.
Identifiers: ClinVar variation 2001776 (VCV002001776.4), dbSNP rs2063893838, ClinGen allele CA347679547.